The following is an entry in ClinVar:

NM_153717.3(EVC):c.2689-3C>T

Gene: EVC (EvC ciliary complex subunit 1; plus strand). Cytogenetic location: 4p16.2.
Variant type: single nucleotide variant.
Coding change: c.2689-3C>T on transcript NM_153717.3 (MANE Select); 3 bases into the intron before coding-DNA position 2689, C replaced by T.
Molecular consequence: intron variant.
Genome position (GRCh38, 1-based): chr4:5,809,515, C>T. VCF-style: chr4-5809515-C-T. GRCh37 (hg19) VCF-style: chr4-5811242-C-T.
Other names: c.2689-3C>T (NM_001306090.2).
Identifiers: ClinVar variation 4689326 (VCV004689326.1).

ClinVar aggregate classification (germline): Uncertain significance (1 of 4 stars; one submission).

gnomAD v4.1: 5 of 1,614,066 alleles (0.00031%); highest among the groups gnomAD compares: Non-Finnish European, 0.00042%; no homozygotes.

Submission:

Women's Health and Genetics/Laboratory Corporation of America, LabCorp
Classification: Uncertain significance. Last evaluated: 2026-01-16. Review status: criteria provided, single submitter. Criteria: LabCorp Variant Classification Summary - May 2015. Collection method: clinical testing. Allele origin: germline.
Comment: Variant summary: EVC c.2689-3C>T alters a conserved nucleotide located close to a canonical splice site and therefore could affect mRNA splicing, leading to a significantly altered protein sequence. Consensus agreement among computation tools predict no significant impact on normal splicing. However, these predictions have yet to be confirmed by functional studies. The variant was absent in 251454 control chromosomes. The available data on variant occurrences in the general population are insufficient to allow any conclusion about variant significance. To our knowledge, no occurrence of c.2689-3C>T in individuals affected with EVC-related conditions and no experimental evidence demonstrating its impact on protein function have been reported. No submitters have cited clinical-significance assessments for this variant to ClinVar. Based on the evidence outlined above, the variant was classified as uncertain significance.